The following is an entry in ClinVar:

NM_016169.4(SUFU):c.904G>A (p.Gly302Ser)

Gene: SUFU (SUFU negative regulator of hedgehog signaling; plus strand). Cytogenetic location: 10q24.32.
Variant type: single nucleotide variant.
Coding change: c.904G>A on transcript NM_016169.4 (MANE Select); coding-DNA position 904, G replaced by A.
Protein change: p.Gly302Ser; replaces glycine 302 with serine.
Molecular consequence: missense variant.
Genome position (GRCh38, 1-based): chr10:102,597,287, G>A. VCF-style: chr10-102597287-G-A. GRCh37 (hg19) VCF-style: chr10-104357044-G-A.
Other names: c.904G>A, p.Gly302Ser (NM_001178133.2); c.904G>A (NM_016169.3); short protein forms G302S.
Identifiers: ClinVar variation 1022408 (VCV001022408.11), dbSNP rs1164574977, ClinGen allele CA377910883.
Genomic context (GRCh38, chr10:102,597,287, plus strand): 5'-CCCGAGGATGACGAGGACAGCCGGAGCATCTGCATCGGCACACAGCCCCGGCGACTCTCT[G>A]GCAAAGGTGGGAGCCATCACTCAGCATTCCACCAGCCTTCCTCCTTCCTTTTCCCCAGGG-3'
Protein context (NP_057253.2, residues 292-312): CIGTQPRRLS[Gly302Ser]KDTEQIRETL

ClinVar aggregate classification (germline): Uncertain significance. Review status: criteria provided, multiple submitters, no conflicts (2 of 4 stars). 3 submissions from 3 submitters: Uncertain significance (3). Last evaluated 2024-09-15.

Conditions:
Medulloblastoma (MDB). Also called: Medulloblastoma, somatic; MEDULLOBLASTOMA PREDISPOSITION SYNDROME. Identifiers: Orphanet 616, MedGen C0025149, MeSH D008527, MONDO:0007959, OMIM 155255, HP:0002885.
Gorlin syndrome. Also called: Nevoid Basal Cell Carcinoma Syndrome; Basal cell nevus syndrome. Identifiers: Orphanet 377, MedGen C0004779, MONDO:0007187.
Hereditary cancer-predisposing syndrome. Also called: Hereditary neoplastic syndrome; Neoplastic Syndromes, Hereditary; Tumor predisposition; Hereditary Cancer Syndrome. Identifiers: Orphanet 140162, MedGen C0027672, MeSH D009386, MONDO:0015356.

Allele frequency attached by ClinVar (database versions not stated): gnomAD 0.00001; gnomAD exomes below 0.00001.
gnomAD v4.1: 4 of 1,612,734 alleles (0.00025%); highest among the groups gnomAD compares: African/African-American, 0.0013%; no homozygotes.

Submissions (3):

Labcorp Genetics (formerly Invitae), Labcorp
Classification: Uncertain significance for Gorlin syndrome; Medulloblastoma. Last evaluated: 2024-09-15. Review status: criteria provided, single submitter. Criteria: Invitae Variant Classification Sherloc (09022015). Collection method: clinical testing. Allele origin: germline.
Comment: This sequence change replaces glycine, which is neutral and non-polar, with serine, which is neutral and polar, at codon 302 of the SUFU protein (p.Gly302Ser). This variant is present in population databases (no rsID available, gnomAD 0.01%). This variant has not been reported in the literature in individuals affected with SUFU-related conditions. ClinVar contains an entry for this variant (Variation ID: 1022408). Invitae Evidence Modeling of protein sequence and biophysical properties (such as structural, functional, and spatial information, amino acid conservation, physicochemical variation, residue mobility, and thermodynamic stability) indicates that this missense variant is not expected to disrupt SUFU protein function with a negative predictive value of 80%. In summary, the available evidence is currently insufficient to determine the role of this variant in disease. Therefore, it has been classified as a Variant of Uncertain Significance.

Ambry Genetics
Classification: Uncertain significance for Hereditary cancer-predisposing syndrome. Last evaluated: 2024-02-17. Review status: criteria provided, single submitter. Criteria: Ambry Variant Classification Scheme 2023. Collection method: clinical testing. Allele origin: germline.
Comment: The p.G302S variant (also known as c.904G>A), located in coding exon 7 of the SUFU gene, results from a G to A substitution at nucleotide position 904. The glycine at codon 302 is replaced by serine, an amino acid with similar properties. This amino acid position is conserved. In addition, this alteration is predicted to be tolerated by in silico analysis. Based on the available evidence, the clinical significance of this alteration remains unclear.

GeneDx
Classification: Uncertain significance. Last evaluated: 2023-07-25. Review status: criteria provided, single submitter. Criteria: GeneDx Variant Classification Process June 2021. Collection method: clinical testing. Allele origin: germline. Affected: yes.
Comment: Not observed at significant frequency in large population cohorts (gnomAD); In silico analysis supports that this missense variant does not alter protein structure/function; Has not been previously published as pathogenic or benign to our knowledge; This variant is associated with the following publications: (PMID: 24311597)